The following is an entry in ClinVar:

ClinVar aggregate classification (germline): Uncertain significance. Review status: criteria provided, multiple submitters, no conflicts (2 of 4 stars). 2 submissions from 2 submitters: Uncertain significance (2). Last evaluated 2024-02-13.

Conditions:
Early Myoclonic Encephalopathy. Identifiers: MedGen C0270855.

Allele frequency attached by ClinVar (database versions not stated): gnomAD exomes 0.00001 and below 0.00001; ExAC 0.00002.
gnomAD v4.1: 3 of 1,614,032 alleles (0.00019%); highest among the groups gnomAD compares: African/African-American, 0.0027%; no homozygotes.

Submissions (2):

Ambry Genetics
Classification: Uncertain significance. Last evaluated: 2024-02-13. Review status: criteria provided, single submitter. Criteria: Ambry Variant Classification Scheme 2023. Collection method: clinical testing. Allele origin: germline.

Labcorp Genetics (formerly Invitae), Labcorp
Classification: Uncertain significance for Early Myoclonic Encephalopathy. Last evaluated: 2020-10-29. Review status: criteria provided, single submitter. Criteria: Invitae Variant Classification Sherloc (09022015). Collection method: clinical testing. Allele origin: germline.
Comment: In summary, the available evidence is currently insufficient to determine the role of this variant in disease. Therefore, it has been classified as a Variant of Uncertain Significance. Algorithms developed to predict the effect of missense changes on protein structure and function (SIFT, PolyPhen-2, Align-GVGD) all suggest that this variant is likely to be tolerated, but these predictions have not been confirmed by published functional studies and their clinical significance is uncertain. This variant has not been reported in the literature in individuals with JMJD1C-related conditions. This variant is present in population databases (rs776050827, ExAC 0.02%). This sequence change replaces glutamine with glutamic acid at codon 1003 of the JMJD1C protein (p.Gln1003Glu). The glutamine residue is moderately conserved and there is a small physicochemical difference between glutamine and glutamic acid.

NM_032776.3(JMJD1C):c.3007C>G (p.Gln1003Glu)

Gene: JMJD1C (jumonji domain containing 1C; minus strand). Cytogenetic location: 10q21.3.
Variant type: single nucleotide variant.
Coding change: c.3007C>G on transcript NM_032776.3 (MANE Select); coding-DNA position 3007, C replaced by G.
Protein change: p.Gln1003Glu; replaces glutamine 1003 with glutamic acid.
Molecular consequence: missense variant. On other transcripts: non-coding transcript variant (1).
Genome position (GRCh38, 1-based): chr10:63,208,662, G>C on the plus strand (C>G on the coding strand, the complement: JMJD1C is on the minus strand). VCF-style: chr10-63208662-G-C. GRCh37 (hg19) VCF-style: chr10-64968422-G-C.
Other names: c.2461C>G, p.Gln821Glu (NM_001282948.2, NM_001318154.2); c.2143C>G, p.Gln715Glu (NM_001318153.2); c.2893C>G, p.Gln965Glu (NM_001322252.2); c.2350C>G, p.Gln784Glu (NM_001322254.2, NM_001322258.2); c.3007C>G (NM_032776.1); short protein forms Q1003E, Q715E, Q784E, Q821E, Q965E.
Identifiers: ClinVar variation 1054360 (VCV001054360.10), dbSNP rs776050827, ClinGen allele CA5518504.